The following is an entry in ClinVar:

NM_178229.5(IQGAP3):c.3483C>T (p.Asp1161=)

Gene: IQGAP3 (IQ motif containing GTPase activating protein 3; minus strand). Cytogenetic location: 1q22.
Variant type: single nucleotide variant.
Coding change: c.3483C>T on transcript NM_178229.5 (MANE Select); coding-DNA position 3483, C replaced by T.
Protein change: p.Asp1161=; no amino-acid change (aspartic acid 1161 retained).
Molecular consequence: synonymous variant.
Genome position (GRCh38, 1-based): chr1:156,535,187, G>A on the plus strand (C>T on the coding strand, the complement: IQGAP3 is on the minus strand). VCF-style: chr1-156535187-G-A. GRCh37 (hg19) VCF-style: chr1-156504979-G-A.
Identifiers: ClinVar variation 3058742 (VCV003058742.2), dbSNP rs776558515, ClinGen allele CA1161014.

ClinVar aggregate classification (germline): Likely benign (0 of 4 stars; one submission).

Conditions:
IQGAP3-related disorder. Also called: IQGAP3-related condition.

Allele frequency attached by ClinVar (database versions not stated): ExAC 0.00008; TOPMed 0.00008; gnomAD 0.00011.
gnomAD v4.1: 124 of 1,613,330 alleles (0.0077%); highest among the groups gnomAD compares: African/African-American, 0.025%; no homozygotes.

Submission:

PreventionGenetics, part of Exact Sciences
Classification: Likely benign for IQGAP3-related condition. Last evaluated: 2019-04-25. Review status: no assertion criteria provided. Collection method: clinical testing. Allele origin: germline.
Comment: This variant is classified as likely benign based on ACMG/AMP sequence variant interpretation guidelines (Richards et al. 2015 PMID: 25741868, with internal and published modifications).